The following is an entry in ClinVar:

NM_005633.4(SOS1):c.345+15C>T

Gene: SOS1 (SOS Ras/Rac guanine nucleotide exchange factor 1; minus strand). Cytogenetic location: 2p22.1.
Variant type: single nucleotide variant.
Coding change: c.345+15C>T on transcript NM_005633.4 (MANE Select); 15 bases into the intron after coding-DNA position 345, C replaced by T.
Molecular consequence: intron variant.
Genome position (GRCh38, 1-based): chr2:39,058,658, G>A on the plus strand (C>T on the coding strand, the complement: SOS1 is on the minus strand). VCF-style: chr2-39058658-G-A. GRCh37 (hg19) VCF-style: chr2-39285799-G-A.
Other names: c.324+15C>T (NM_001382394.1); c.345+15C>T (NM_001382395.1).
Identifiers: ClinVar variation 139234 (VCV000139234.18), dbSNP rs75937422, ClinGen allele CA293657.

ClinVar aggregate classification (germline): Benign/Likely benign. Review status: criteria provided, multiple submitters, no conflicts (2 of 4 stars). 10 submissions from 9 submitters: Benign (7); Likely benign (1). 2 of the submissions do not count toward it. Last evaluated 2026-02-03.

Conditions:
RASopathy. Also called: rasopathies; Noonan spectrum disorder. Identifiers: Orphanet 536391, MedGen C5555857, MONDO:0021060.
Noonan syndrome 4 (NS4). Also called: SOS1-Related Noonan Syndrome; NOONAN SYNDROME WITH PIGMENTED VILLONODULAR SYNOVITIS. Identifiers: Orphanet 648, MedGen C1853120, MONDO:0012547, OMIM 610733.
Fibromatosis, gingival, 1 (GINGF1). Identifiers: Orphanet 2024, MedGen C4551558, MONDO:0007609, OMIM 135300.

Allele frequency attached by ClinVar (database versions not stated): gnomAD exomes 0.00039 and 0.00095; ExAC 0.00117; gnomAD 0.00374 and 0.00407; ESP Exome Variant Server 0.00415; TOPMed 0.00429; 1000 Genomes Project 0.00479; 1000 Genomes Project 30x 0.00531.
gnomAD v4.1: 1,144 of 1,611,424 alleles (0.071%); highest among the groups gnomAD compares: African/African-American, 1.4%; 13 homozygotes.

Submissions (10):

Labcorp Genetics (formerly Invitae), Labcorp
Classification: Benign for RASopathy. Last evaluated: 2026-02-03. Review status: criteria provided, single submitter. Criteria: Invitae Variant Classification Sherloc (09022015). Collection method: clinical testing. Allele origin: germline.

ARUP Laboratories, Molecular Genetics and Genomics, ARUP Laboratories
Classification: Benign. Last evaluated: 2025-06-02. Review status: criteria provided, single submitter. Criteria: ARUP Molecular Germline Variant Investigation Process 2024. Collection method: clinical testing. Allele origin: germline.

Fulgent Genetics
Classification: Likely benign for Fibromatosis, gingival, 1; Noonan syndrome 4. Last evaluated: 2022-02-16. Review status: criteria provided, single submitter. Criteria: ACMG Guidelines, 2015. Collection method: clinical testing. Allele origin: unknown.

Women's Health and Genetics/Laboratory Corporation of America, LabCorp
Classification: Benign. Last evaluated: 2019-12-24. Review status: criteria provided, single submitter. Criteria: LabCorp Variant Classification Summary - May 2015. Collection method: clinical testing. Allele origin: germline.
Comment: Variant summary: SOS1 c.345+15C>T alters a non-conserved nucleotide located close to a canonical splice site and therefore could affect mRNA splicing, leading to a significantly altered protein sequence. 5/5 computational tools predict no significant impact on normal splicing. However, these predictions have yet to be confirmed by functional studies. The variant allele was found at a frequency of 0.0013 in 282316 control chromosomes, predominantly at a frequency of 0.014 within the African or African-American subpopulation in the gnomAD database, including 5 homozygotes. The observed variant frequency within African or African-American control individuals in the gnomAD database is approximately 467 fold of the estimated maximal expected allele frequency for a pathogenic variant in SOS1 causing Noonan Syndrome and Related Conditions phenotype (3e-05), strongly suggesting that the variant is a benign polymorphism found primarily in populations of African or African-American origin. To our knowledge, no occurrence of c.345+15C>T in individuals affected with Noonan Syndrome and Related Conditions and no experimental evidence demonstrating its impact on protein function have been reported. No clinical diagnostic laboratories have submitted clinical-significance assessments for this variant to ClinVar after 2014. Based on the evidence outlined above, the variant was classified as benign.

GeneDx
Classification: Benign. Last evaluated: 2013-09-27. Review status: criteria provided, single submitter. Criteria: GeneDx Variant Classification (06012015). Collection method: clinical testing. Allele origin: germline. Affected: yes.
Comment: This variant is considered likely benign or benign based on one or more of the following criteria: it is a conservative change, it occurs at a poorly conserved position in the protein, it is predicted to be benign by multiple in silico algorithms, and/or has population frequency not consistent with disease.

Genome-Nilou Lab
Classification: Benign for Noonan syndrome 4. Review status: criteria provided, single submitter. Criteria: ACMG Guidelines, 2015. Collection method: clinical testing. Allele origin: germline.

Genome-Nilou Lab
Classification: Benign for Fibromatosis, gingival, 1. Review status: criteria provided, single submitter. Criteria: ACMG Guidelines, 2015. Collection method: clinical testing. Allele origin: germline.

PreventionGenetics, part of Exact Sciences
Classification: Benign. Review status: criteria provided, single submitter. Criteria: ACMG Guidelines, 2015. Collection method: clinical testing. Allele origin: germline.

Clinical Genetics, Academic Medical Center
Classification: Benign. Review status: no assertion criteria provided. Collection method: clinical testing. Allele origin: germline. Affected: yes. Study: VKGL Data-share Consensus. Not counted in ClinVar's aggregate classification.

Joint Genome Diagnostic Labs from Nijmegen and Maastricht, Radboudumc and MUMC+
Classification: Benign. Review status: no assertion criteria provided. Collection method: clinical testing. Allele origin: germline. Affected: yes. Study: VKGL Data-share Consensus. Not counted in ClinVar's aggregate classification.